The following is an entry in ClinVar:

ClinVar aggregate classification (germline): Uncertain significance (1 of 4 stars; one submission).

Conditions:
Inborn genetic diseases. Identifiers: MedGen C0950123, MeSH D030342.

gnomAD v4.1: 3 of 1,613,598 alleles (0.00019%); highest among the groups gnomAD compares: Non-Finnish European, 0.00025%; no homozygotes.

Submission:

Ambry Genetics
Classification: Uncertain significance for Inborn genetic diseases. Last evaluated: 2025-06-08. Review status: criteria provided, single submitter. Criteria: Ambry Variant Classification Scheme 2023. Collection method: clinical testing. Allele origin: germline.
Comment: The p.H1272L variant (also known as c.3815A>T), located in coding exon 38 of the FANCA gene, results from an A to T substitution at nucleotide position 3815. The histidine at codon 1272 is replaced by leucine, an amino acid with similar properties. This amino acid position is conserved. In addition, this alteration is predicted to be tolerated by in silico analysis. Based on the available evidence, the clinical significance of this variant remains unclear.

NM_000135.4(FANCA):c.3815A>T (p.His1272Leu)

Genes: FANCA (FA complementation group A; minus strand), ZNF276 (zinc finger protein 276; plus strand). Cytogenetic location: 16q24.3.
Variant type: single nucleotide variant.
Coding change: c.3815A>T on transcript NM_000135.4 (MANE Select); coding-DNA position 3815, A replaced by T.
Protein change: p.His1272Leu; replaces histidine 1272 with leucine.
Molecular consequence: missense variant. On other transcripts: 3 prime UTR variant (2), non-coding transcript variant (4).
Genome position (GRCh38, 1-based): chr16:89,740,817, T>A on the plus strand (A>T on the coding strand, the complement: FANCA is on the minus strand). VCF-style: chr16-89740817-T-A. GRCh37 (hg19) VCF-style: chr16-89807225-T-A.
Other names: c.3815A>T, p.His1272Leu (NM_001286167.3); c.*2571T>A (NM_001113525.2, NM_152287.4); short protein forms H1272L.
Identifiers: ClinVar variation 4022359 (VCV004022359.1).
Genomic context (GRCh38, chr16:89,740,817, plus strand): 5'-TGGCCCACAGTGGGAGAGGACACCTTGGCTGGTAAGGTCTGACTTACATTTGAGGTCAGA[T>A]GTGACGACAGCAGGCCCATCAAGGAGAAGAAGAAAAGGAAAACCAATAGCTGTAAATAAA-3'
Protein context (NP_000126.2, residues 1262-1282): FFSLMGLLSS[His1272Leu]LTSNSTTDLP